The following is an entry in ClinVar:

NM_000142.5(FGFR3):c.484A>C (p.Lys162Gln)

Gene: FGFR3 (fibroblast growth factor receptor 3; plus strand). Cytogenetic location: 4p16.3.
Variant type: single nucleotide variant.
Coding change: c.484A>C on transcript NM_000142.5 (MANE Select); coding-DNA position 484, A replaced by C.
Protein change: p.Lys162Gln; replaces lysine 162 with glutamine.
Molecular consequence: missense variant. On other transcripts: non-coding transcript variant (1).
Genome position (GRCh38, 1-based): chr4:1,801,405, A>C. VCF-style: chr4-1801405-A-C. GRCh37 (hg19) VCF-style: chr4-1803132-A-C.
Other names: c.484A>C, p.Lys162Gln (NM_001163213.2, NM_001354809.2, NM_001354810.2 and 1 more transcripts); short protein forms K162Q.
Identifiers: ClinVar variation 2901950 (VCV002901950.5), dbSNP rs1370686864, ClinGen allele CA355974898.
Genomic context (GRCh38, chr4:1,801,405, plus strand): 5'-TCACACGCACCTCGGCCCGCAGGGGCCCCTTACTGGACACGGCCCGAGCGGATGGACAAG[A>C]AGCTGCTGGCCGTGCCGGCCGCCAACACCGTCCGCTTCCGCTGCCCAGCCGCTGGCAACC-3'
Protein context (NP_000133.1, residues 152-172): YWTRPERMDK[Lys162Gln]LLAVPAANTV

ClinVar aggregate classification (germline): Uncertain significance. Review status: criteria provided, multiple submitters, no conflicts (2 of 4 stars). 3 submissions from 3 submitters: Uncertain significance (3). Last evaluated 2025-02-07.

Conditions:
Inborn genetic diseases. Identifiers: MedGen C0950123, MeSH D030342.

Allele frequency attached by ClinVar (database versions not stated): gnomAD exomes 0.00001; gnomAD 0.00002; TOPMed 0.00003.
gnomAD v4.1: 17 of 1,555,096 alleles (0.0011%); highest among the groups gnomAD compares: Admixed American, 0.0077%; no homozygotes.

Submissions (3):

Ambry Genetics
Classification: Uncertain significance for Inborn genetic diseases. Last evaluated: 2025-02-07. Review status: criteria provided, single submitter. Criteria: Ambry Variant Classification Scheme 2023. Collection method: clinical testing. Allele origin: germline.

ARUP Laboratories, Molecular Genetics and Genomics, ARUP Laboratories
Classification: Uncertain significance. Last evaluated: 2024-02-27. Review status: criteria provided, single submitter. Criteria: ARUP Molecular Germline Variant Investigation Process 2024. Collection method: clinical testing. Allele origin: germline.
Comment: The FGFR3 c.484A>C; p.Lys162Gln variant (rs1370686864), to our knowledge, is not reported in the medical literature or gene specific databases. This variant is only observed on two alleles (2/151,514 chromosomes) in the Genome Aggregation Database (v2.1.1), indicating it is not a common polymorphism. Computational analyses are uncertain whether this variant is neutral or deleterious (REVEL: 0.494). Due to limited information, the clinical significance of this variant is uncertain at this time.

Labcorp Genetics (formerly Invitae), Labcorp
Classification: Uncertain significance. Last evaluated: 2023-04-19. Review status: criteria provided, single submitter. Criteria: Invitae Variant Classification Sherloc (09022015). Collection method: clinical testing. Allele origin: germline.
Comment: In summary, the available evidence is currently insufficient to determine the role of this variant in disease. Therefore, it has been classified as a Variant of Uncertain Significance. Algorithms developed to predict the effect of missense changes on protein structure and function output the following: SIFT: "Not Available"; PolyPhen-2: "Possibly Damaging"; Align-GVGD: "Not Available". The glutamine amino acid residue is found in multiple mammalian species, which suggests that this missense change does not adversely affect protein function. This variant has not been reported in the literature in individuals affected with FGFR3-related conditions. This variant is present in population databases (no rsID available, gnomAD 0.008%). This sequence change replaces lysine, which is basic and polar, with glutamine, which is neutral and polar, at codon 162 of the FGFR3 protein (p.Lys162Gln).